The following is an entry in ClinVar:

ClinVar aggregate classification (germline): Conflicting classifications of pathogenicity. Review status: criteria provided, conflicting classifications (1 of 4 stars). 5 submissions from 5 submitters: Uncertain significance (1); Benign (1); Likely benign (2). 1 of the submissions does not count toward it. Last evaluated 2026-02-01.

Conditions:
MYO5B-related disorder. Also called: MYO5B-related condition.
Congenital microvillous atrophy (DIAR2). Also called: CONGENITAL FAMILIAL PROTRACTED DIARRHEA WITH ENTEROCYTE BRUSH-BORDER ABNORMALITIES; DAVIDSON DISEASE; Diarrhea 2 with microvillus atrophy, with or without cholestasis; MICROVILLUS ATROPHY, CONGENITAL; Microvillus inclusion disease. Identifiers: Orphanet 2290, MedGen C0341306, MONDO:0009635, OMIM 251850.
Inborn genetic diseases. Identifiers: MedGen C0950123, MeSH D030342.

Allele frequency attached by ClinVar (database versions not stated): ESP Exome Variant Server 0.00147; TOPMed 0.00161; gnomAD 0.00162; 1000 Genomes Project 0.00200; 1000 Genomes Project 30x 0.00219.
gnomAD v4.1: 404 of 1,613,962 alleles (0.025%); highest among the groups gnomAD compares: African/African-American, 0.5%; 3 homozygotes.

Submissions (5):

Labcorp Genetics (formerly Invitae), Labcorp
Classification: Benign. Last evaluated: 2026-02-01. Review status: criteria provided, single submitter. Criteria: Invitae Variant Classification Sherloc (09022015). Collection method: clinical testing. Allele origin: germline.

Blueprint Genetics
Classification: Likely benign. Last evaluated: 2024-09-17. Review status: criteria provided, single submitter. Criteria: ACMG Guidelines, 2015. Collection method: clinical testing. Allele origin: germline.

Ambry Genetics
Classification: Uncertain significance for Inborn genetic diseases. Last evaluated: 2024-07-06. Review status: criteria provided, single submitter. Criteria: Ambry Variant Classification Scheme 2023. Collection method: clinical testing. Allele origin: germline.

Illumina Laboratory Services, Illumina
Classification: Likely benign for Congenital microvillous atrophy. Last evaluated: 2018-01-13. Review status: criteria provided, single submitter. Criteria: ICSL Variant Classification Criteria 13 December 2019. Collection method: clinical testing. Allele origin: germline.
Comment: This variant was observed in the ICSL laboratory as part of a predisposition screen in an ostensibly healthy population. It had not been previously curated by ICSL or reported in the Human Gene Mutation Database (HGMD: prior to June 1st, 2018), and was therefore a candidate for classification through an automated scoring system. Utilizing variant allele frequency, disease prevalence and penetrance estimates, and inheritance mode, an automated score was calculated to assess if this variant is too frequent to cause the disease. Based on the score and internal cut-off values, a variant classified as likely benign is not then subjected to further curation. The score for this variant resulted in a classification of likely benign for this disease.

PreventionGenetics, part of Exact Sciences
Classification: Likely benign for MYO5B-related condition. Last evaluated: 2021-03-29. Review status: no assertion criteria provided. Collection method: clinical testing. Allele origin: germline. Not counted in ClinVar's aggregate classification.
Comment: This variant is classified as likely benign based on ACMG/AMP sequence variant interpretation guidelines (Richards et al. 2015 PMID: 25741868, with internal and published modifications).

NM_001080467.3(MYO5B):c.167G>T (p.Arg56Leu)

Gene: MYO5B (myosin VB; minus strand). Cytogenetic location: 18q21.1.
Variant type: single nucleotide variant.
Coding change: c.167G>T on transcript NM_001080467.3 (MANE Select); coding-DNA position 167, G replaced by T.
Protein change: p.Arg56Leu; replaces arginine 56 with leucine.
Molecular consequence: missense variant.
Genome position (GRCh38, 1-based): chr18:50,040,286, C>A on the plus strand (G>T on the coding strand, the complement: MYO5B is on the minus strand). VCF-style: chr18-50040286-C-A. GRCh37 (hg19) VCF-style: chr18-47566656-C-A.
Other names: short protein forms R56L.
Identifiers: ClinVar variation 327090 (VCV000327090.16), dbSNP rs138743872, ClinGen allele CA8961957.
Genomic context (GRCh38, chr18:50,040,286, plus strand): 5'-GCAGTCAGGTCATTTTCTCCCACCAAGATATCTGGATTCCGTAAGAAGGGCAGCTGGTTG[C>A]GTTGTACATCAATTGGGTATTCCAGAATCTAAAGACATGCAAGTAGCAGACACAAAAAGG-3'
Protein context (NP_001073936.1, residues 46-66): TILEYPIDVQ[Arg56Leu]NQLPFLRNPD